The following is an entry in ClinVar:

NM_002225.5(IVD):c.1205T>C (p.Ile402Thr)

Gene: IVD (isovaleryl-CoA dehydrogenase; plus strand). Cytogenetic location: 15q15.1.
Variant type: single nucleotide variant.
Coding change: c.1205T>C on transcript NM_002225.5 (MANE Select); coding-DNA position 1205, T replaced by C.
Protein change: p.Ile402Thr; replaces isoleucine 402 with threonine.
Molecular consequence: missense variant. On other transcripts: intron variant (3).
Genome position (GRCh38, 1-based): chr15:40,418,196, T>C. VCF-style: chr15-40418196-T-C. GRCh37 (hg19) VCF-style: chr15-40710395-T-C.
Other names: c.1115T>C, p.Ile372Thr (NM_001159508.3); c.1157T>C, p.Ile386Thr (NM_001354597.3); c.1292T>C, p.Ile431Thr (NM_001354599.3); c.1225+1834T>C (NM_001354600.3); c.1138+1834T>C (NM_001354598.3, NM_001354601.3); short protein forms I402T, I372T, I431T, I386T.
Identifiers: ClinVar variation 529433 (VCV000529433.15), dbSNP rs763422682, ClinGen allele CA7480919.

ClinVar aggregate classification (germline): Conflicting classifications of pathogenicity. Review status: criteria provided, conflicting classifications (1 of 4 stars). 4 submissions from 4 submitters: Pathogenic (1); Likely pathogenic (1); Uncertain significance (1). 1 of the submissions does not count toward it. Last evaluated 2026-06-12.

Conditions:
Isovaleryl-CoA dehydrogenase deficiency (IVA). Also called: ISOVALERIC ACID CoA DEHYDROGENASE DEFICIENCY; Classic Isovaleric Acidemia; IVD DEFICIENCY; Isovaleric acidemia. Identifiers: Orphanet 33, MedGen C0268575, MONDO:0009475, OMIM 243500.

Allele frequency attached by ClinVar (database versions not stated): gnomAD exomes below 0.00001 and 0.00001; TOPMed below 0.00001; ExAC 0.00001.
gnomAD v4.1: 6 of 1,614,252 alleles (0.00037%); highest among the groups gnomAD compares: Admixed American, 0.005%; no homozygotes.

Submissions (4):

Myriad Genetics, Inc.
Classification: Uncertain significance for Isovaleryl-CoA dehydrogenase deficiency. Last evaluated: 2026-06-12. Review status: criteria provided, single submitter. Criteria: Myriad Autosomal Dominant, Autosomal Recessive and X-Linked Classification Criteria (2023). Collection method: clinical testing. Allele origin: unknown.
Comment: NM_002225.3(IVD):c.1214T>C(I405T) is a missense variant classified as a variant of uncertain significance in the context of isovaleric acidemia. I405T has been observed in a case with relevant disease (PMID: 27904153). Relevant functional assessments of this variant are not available in the literature. I405T has been observed in referenced population frequency databases. In summary, there is insufficient evidence to classify NM_002225.3(IVD):c.1214T>C(I405T) as pathogenic or benign. Please note: this variant was assessed in the context of healthy population screening.

Women's Health and Genetics/Laboratory Corporation of America, LabCorp
Classification: Likely pathogenic for Isovaleryl-CoA dehydrogenase deficiency. Last evaluated: 2025-06-24. Review status: criteria provided, single submitter. Criteria: LabCorp Variant Classification Summary - May 2015. Collection method: clinical testing. Allele origin: germline.
Comment: Variant summary: IVD c.1205T>C (p.Ile402Thr) results in a non-conservative amino acid change in the encoded protein sequence. Algorithms developed to predict the effect of missense changes on protein structure and function all suggest that this variant is likely to be disruptive. The variant allele was found at a frequency of 8e-06 in 251480 control chromosomes. c.1205T>C has been observed in individual(s) affected with Isovaleryl-CoA Dehydrogenase Deficiency (Couce_2017, Internal data). These data indicate that the variant is likely to be associated with disease. To our knowledge, no experimental evidence demonstrating an impact on protein function has been reported. The following publication has been ascertained in the context of this evaluation (PMID: 27904153). ClinVar contains an entry for this variant (Variation ID: 529433). Based on the evidence outlined above, the variant was classified as likely pathogenic.

Labcorp Genetics (formerly Invitae), Labcorp
Classification: Pathogenic for Isovaleryl-CoA dehydrogenase deficiency. Last evaluated: 2024-08-30. Review status: criteria provided, single submitter. Criteria: Invitae Variant Classification Sherloc (09022015). Collection method: clinical testing. Allele origin: germline.
Comment: This sequence change replaces isoleucine, which is neutral and non-polar, with threonine, which is neutral and polar, at codon 405 of the IVD protein (p.Ile405Thr). This variant is present in population databases (rs763422682, gnomAD 0.006%). This missense change has been observed in individual(s) with isovaleric acidemia (PMID: 27904153; internal data). In at least one individual the data is consistent with being in trans (on the opposite chromosome) from a pathogenic variant. ClinVar contains an entry for this variant (Variation ID: 529433). An algorithm developed to predict the effect of missense changes on protein structure and function (PolyPhen-2) suggests that this variant is likely to be disruptive. For these reasons, this variant has been classified as Pathogenic.

Counsyl
Classification: Uncertain significance for Isovaleryl-CoA dehydrogenase deficiency. Last evaluated: 2017-12-04. Review status: no assertion criteria provided. Collection method: clinical testing. Allele origin: unknown. Not counted in ClinVar's aggregate classification.

Literature cited by the submitters: PubMed 27904153 (cited by 4 submitters).